The following is an entry in ClinVar:

NM_181523.3(PIK3R1):c.1300-2A>G

Gene: PIK3R1 (phosphoinositide-3-kinase regulatory subunit 1; plus strand). Cytogenetic location: 5q13.1.
Variant type: single nucleotide variant.
Coding change: c.1300-2A>G on transcript NM_181523.3 (MANE Select); the canonical splice acceptor site of the intron before coding-DNA position 1300, A replaced by G.
Molecular consequence: splice acceptor variant.
Genome position (GRCh38, 1-based): chr5:68,293,707, A>G. VCF-style: chr5-68293707-A-G. GRCh37 (hg19) VCF-style: chr5-67589535-A-G.
Other names: NM_181523.3:c.1300-2A>G; c.400-2A>G (NM_181524.2); c.490-2A>G (NM_181504.4); c.211-2A>G (NM_001242466.2).
Identifiers: ClinVar variation 827732 (VCV000827732.14), dbSNP rs1403833564, ClinGen allele CA359880031.

ClinVar aggregate classification (germline): Likely pathogenic. Review status: reviewed by expert panel (3 of 4 stars). 3 submissions from 3 submitters: Likely pathogenic (1). 2 of the submissions do not count toward it. Last evaluated 2026-05-19.

Conditions:
PIK3R1-related immunodeficiency and SHORT syndrome. Identifiers: MedGen CN379774, MONDO:1060136.
Inherited Immunodeficiency Diseases. Identifiers: MedGen C5197805, MeSH D000081207.
Agammaglobulinemia 7, autosomal recessive (AGM7). Also called: AGAMMAGLOBULINEMIA, AUTOSOMAL RECESSIVE, DUE TO PIK3R1 DEFECT. Identifiers: MedGen C3554689, MONDO:0014083, OMIM 615214.
Immunodeficiency 36 with lymphoproliferation. Also called: Immunodeficiency 36; Activated PI3K Delta Syndrome Type 2 (APDS2); ACTIVATED PI3K-DELTA SYNDROME 2. Identifiers: Orphanet 397596, Orphanet 693681, MedGen C4014934, MONDO:0014453, OMIM 616005.
SHORT syndrome. Also called: LIPODYSTROPHY, PARTIAL, WITH RIEGER ANOMALY AND SHORT STATURE; SHORT STATURE, HYPEREXTENSIBILITY, HERNIA, OCULAR DEPRESSION, RIEGER ANOMALY, AND TEETHING DELAY; PIK3R1-Related SHORT Syndrome. Identifiers: Orphanet 3163, MedGen C0878684, MONDO:0010026, OMIM 269880.

Submissions (6):

ClinGen Primary Immune Regulatory Disorders Variant Curation Expert Panel, ClinGen
Classification: Likely pathogenic for PIK3R1-related immunodeficiency and SHORT syndrome. Last evaluated: 2026-05-19. Review status: reviewed by expert panel. Criteria: ClinGen AbDef ACMG Specifications PIK3R1 V1.0.0. Collection method: curation. Allele origin: germline. Inheritance: Autosomal dominant inheritance.
Comment: NM_181523.3(PIK3R1):c.1300-2A>G disrupts a canonical splice site in intron 11 that is predicted to cause in-frame skipping of exon 11. An RT-PCR assay amplifying RNA extracted from affected or control patient cells with primers flanking exon 11 of the PIK3R1 showed either complete exon 11 skipping or usage of a cryptic splice acceptor site within the exon resulting in frameshift, indicating that the variant disrupts protein function (PMID: 27221134, PVS1_Strong). This variant is absent from gnomAD v4.1.0 (PM2_Supporting). At least one proband with this variant had a phenotype that included initial diagnosis of uncontrolled systemic lupus erythematosus, Chilblains lesions on the skin, Hodgkin's lymphoma (2 pts), systemic lymphoproliferation (4 pts), hypertrophic tonsils, IgA deficiency with elevated IgM (0.5 pts) and reduced IgG2, autoimmune hemolytic anemia (1 pt), pleuro-pericarditis and history of common upper respiratory tract infections (4 pts), severe lymphopenia (0.5 pts), low vaccination antibody titers, and growth retardation in infancy (2 pts), with genotyping by next-generation sequencing panel for primary immunodeficiency that did not show an alternative basis for disease in the PIK3CD gene, which together are specific for PIK3R1-related immunodeficiency and SHORT syndrome (14 total points, PMID: 34307262, PP4). This variant has been reported in affected unpublished patients submitted to ClinVar, one of whom has a phenotype that accumulates 6.5 phenotype points, with genotyping that did not identify an alternative basis for disease in the PIK3CD gene (6.5 total points, ClinVar Accession #: SCV001229871.6, PS4_Supporting). This variant has also been reported in an affected unpublished patient submitted to ClinVar in relation to inherited immunodeficiency disease, with a phenotype that includes IgG deficiency (0.5 pts), pleural empyema (4 pts), and recurrent bacterial infections, with genotyping by whole genome sequencing that did not identify an alternative basis for disease in the PIK3CD gene (4.5 total points, ClinVar Accession #: SCV001190183.1), which did not meet the 6 phenotype points required for inclusion in PS4. In summary, this variant meets the criteria to be classified as likely pathogenic for autosomal dominant PIK3R1-related immunodeficiency and SHORT syndrome based on the ACMG/AMP criteria applied, as specified by the ClinGen Antibody Deficiencies VCEP: PVS1_Strong, PM2_Supporting, PP4, and PS4_Supporting. (VCEP specifications version 1.0.0; date of approval 04/29/2026).

Labcorp Genetics (formerly Invitae), Labcorp
Classification: Pathogenic for SHORT syndrome; Immunodeficiency 36 with lymphoproliferation; Agammaglobulinemia 7, autosomal recessive. Last evaluated: 2025-09-08. Review status: criteria provided, single submitter. Criteria: Invitae Variant Classification Sherloc (09022015). Collection method: clinical testing. Allele origin: germline. Not counted in ClinVar's aggregate classification.
Comment: This sequence change affects an acceptor splice site in intron 10 of the PIK3R1 gene. RNA analysis indicates that disruption of this splice site induces altered splicing and likely results in a shortened protein product. This variant is not present in population databases (gnomAD no frequency). Disruption of this splice site has been observed in individual(s) with clinical features of PIK3R1-related conditions (PMID: 27221134, 32499645, 34307262; internal data). In at least one individual the variant was observed to be de novo. This variant is also known as c.490-2A>G. ClinVar contains an entry for this variant (Variation ID: 827732). Studies have shown that disruption of this splice site results in skipping of exon 11, but is expected to preserve the integrity of the reading-frame (PMID: 27221134, 34307262). For these reasons, this variant has been classified as Pathogenic.

NIHR Bioresource Rare Diseases, University of Cambridge
Classification: Likely pathogenic for Inherited Immunodeficiency Diseases. Last evaluated: 2019-01-01. Review status: criteria provided, single submitter. Criteria: ACMG Guidelines, 2015. Collection method: research. Allele origin: germline. Affected: yes. Observed: 1 heterozygote. Not counted in ClinVar's aggregate classification.

Dr. Peter K. Rogan Lab, Western University
No classification provided (evidence only). Condition: Squamous cell lung carcinoma. Review status: no classification provided. Collection method: in vitro. Allele origin: not applicable. Functional consequence: skipped exon, retained intron. Not counted in ClinVar's aggregate classification.

Dr. Peter K. Rogan Lab, Western University
No classification provided (evidence only). Condition: Lymphoma. Review status: no classification provided. Collection method: in vitro. Allele origin: not applicable. Functional consequence: skipped exon, retained intron. Not counted in ClinVar's aggregate classification.

MutSpliceDB: a database of splice sites variants effects on splicing, NIH
No classification provided (evidence only). Review status: no classification provided. Collection method: in vivo. Allele origin: not applicable. Functional consequence: retained intron. Not counted in ClinVar's aggregate classification.

Literature cited by the submitters: PubMed 27221134 (cited by Labcorp Genetics (formerly Invitae), Labcorp); PubMed 32499645 (cited by Labcorp Genetics (formerly Invitae), Labcorp); PubMed 34307262 (cited by Labcorp Genetics (formerly Invitae), Labcorp).